The following is an entry in ClinVar:

NM_014476.6(PDLIM3):c.93+5G>A

Gene: PDLIM3 (PDZ and LIM domain 3; minus strand). Cytogenetic location: 4q35.1.
Variant type: single nucleotide variant.
Coding change: c.93+5G>A on transcript NM_014476.6 (MANE Select); 5 bases into the intron after coding-DNA position 93, G replaced by A.
Molecular consequence: intron variant.
Genome position (GRCh38, 1-based): chr4:185,535,337, C>T on the plus strand (G>A on the coding strand, the complement: PDLIM3 is on the minus strand). VCF-style: chr4-185535337-C-T. GRCh37 (hg19) VCF-style: chr4-186456491-C-T.
Other names: c.93+5G>A (NM_001257963.2, NM_001257962.2, NM_001114107.5).
Identifiers: ClinVar variation 201957 (VCV000201957.2), dbSNP rs794729097, ClinGen allele CA335493.

ClinVar aggregate classification (germline): Uncertain significance (1 of 4 stars; one submission).

gnomAD v4.1: 1 of 1,605,496 alleles (0.000062%); no homozygotes.

Submission:

GeneDx
Classification: Uncertain significance. Last evaluated: 2014-03-06. Review status: criteria provided, single submitter. Criteria: GeneDx Variant Classification (06012015). Collection method: clinical testing. Allele origin: germline. Affected: yes.
Comment: c.93+5 G>A: IVS1+5 G>A in intron 1 of the PDLIM3 gene (NM_014476.5). The c.93+5 G>A variant has not been reported as a disease-causing mutation or as a benign polymorphism to our knowledge. In silico splice algorithms predict this variant reduces the strength of the splice site, which may lead to either an abnormal message that is subject to nonsense-mediated mRNA decay, or to an abnormal protein product if the message is used for protein translation. However, other splice site variants in the PDLIM3 gene have not been reported in association with cardiomyopathy. With the clinical and molecular information available at this time, we cannot definitively determine if c.93+5 G>A is a disease-causing mutation or a rare benign variant. The variant is found in CARDIOMYOPATHY panel(s).